The following is an entry in ClinVar:

ClinVar aggregate classification (germline): Benign/Likely benign. Review status: criteria provided, multiple submitters, no conflicts (2 of 4 stars). 3 submissions from 3 submitters: Benign (1); Likely benign (2). Last evaluated 2025-12-29.

Conditions:
Hereditary diffuse gastric adenocarcinoma (HDGC). Also called: DIFFUSE GASTRIC AND LOBULAR BREAST CANCER SYNDROME. Identifiers: Orphanet 26106, MedGen C1708349, MONDO:0007648, OMIM 137215.
Hereditary cancer-predisposing syndrome. Also called: Hereditary Cancer Syndrome; Hereditary neoplastic syndrome; Neoplastic Syndromes, Hereditary; Tumor predisposition. Identifiers: Orphanet 140162, MedGen C0027672, MeSH D009386, MONDO:0015356.

gnomAD v4.1: 10 of 1,614,156 alleles (0.00062%); highest among the groups gnomAD compares: Non-Finnish European, 0.00085%; no homozygotes.

Submissions (3):

Labcorp Genetics (formerly Invitae), Labcorp
Classification: Likely benign. Last evaluated: 2025-12-29. Review status: criteria provided, single submitter. Criteria: Invitae Variant Classification Sherloc (09022015). Collection method: clinical testing. Allele origin: germline.

Myriad Genetics, Inc.
Classification: Benign for Hereditary diffuse gastric adenocarcinoma. Last evaluated: 2024-10-09. Review status: criteria provided, single submitter. Criteria: Myriad Autosomal Dominant, Autosomal Recessive and X-Linked Classification Criteria (2023). Collection method: clinical testing. Allele origin: unknown.
Comment: This variant is considered benign. This variant is a silent/synonymous amino acid change and it is not expected to impact splicing.

Ambry Genetics
Classification: Likely benign for Hereditary cancer-predisposing syndrome. Last evaluated: 2020-09-16. Review status: criteria provided, single submitter. Criteria: Ambry Variant Classification Scheme 2023. Collection method: clinical testing. Allele origin: germline.

NM_001903.5(CTNNA1):c.180T>A (p.Val60=)

Gene: CTNNA1 (catenin alpha 1; plus strand). Cytogenetic location: 5q31.2.
Variant type: single nucleotide variant.
Coding change: c.180T>A on transcript NM_001903.5 (MANE Select); coding-DNA position 180, T replaced by A.
Protein change: p.Val60=; no amino-acid change (valine 60 retained).
Molecular consequence: synonymous variant. On other transcripts: 5 prime UTR variant (1), intron variant (1).
Genome position (GRCh38, 1-based): chr5:138,783,251, T>A. VCF-style: chr5-138783251-T-A. GRCh37 (hg19) VCF-style: chr5-138118940-T-A.
Other names: c.180T>A, p.Val60= (NM_001290307.3, NM_001323982.2, NM_001323983.1 and 3 more transcripts); c.-27T>A (NM_001290310.3); c.-9+1222T>A (NM_001290309.3).
Identifiers: ClinVar variation 1149102 (VCV001149102.12), dbSNP rs2149656406, ClinGen allele CA446725101.